The following is an entry in ClinVar:

NM_001103.4(ACTN2):c.2569G>C (p.Asp857His)

Gene: ACTN2 (actinin alpha 2; plus strand). Cytogenetic location: 1q43.
Variant type: single nucleotide variant.
Coding change: c.2569G>C on transcript NM_001103.4 (MANE Select); coding-DNA position 2569, G replaced by C.
Protein change: p.Asp857His; replaces aspartic acid 857 with histidine.
Molecular consequence: missense variant.
Genome position (GRCh38, 1-based): chr1:236,762,503, G>C. VCF-style: chr1-236762503-G-C. GRCh37 (hg19) VCF-style: chr1-236925803-G-C.
Other names: c.2569G>C, p.Asp857His (NM_001278343.2); c.1945G>C, p.Asp649His (NM_001278344.2); short protein forms D857H, D649H.
Identifiers: ClinVar variation 216493 (VCV000216493.12), dbSNP rs533267299, ClinGen allele CA337539.

ClinVar aggregate classification (germline): Uncertain significance. Review status: criteria provided, multiple submitters, no conflicts (2 of 4 stars). 7 submissions from 7 submitters: Uncertain significance (3). 4 of the submissions do not count toward it. Last evaluated 2024-11-28.

Conditions:
Primary familial hypertrophic cardiomyopathy (HCM). Identifiers: Orphanet 99739, MedGen C0949658, MeSH D024741, MONDO:0024573. Inheritance: Various modes of inheritance.
Dilated cardiomyopathy 1AA (CMD1AA). Also called: CARDIOMYOPATHY, DILATED, 1AA, WITH OR WITHOUT LEFT VENTRICULAR NONCOMPACTION; CARDIOMYOPATHY, FAMILIAL HYPERTROPHIC, 23, WITH OR WITHOUT LEFT VENTRICULAR NONCOMPACTION; Cardiomyopathy, dilated, 1AA, with or without LVNC. Identifiers: Orphanet 154, MedGen C2677338, MONDO:0012808, OMIM 612158.
Cardiovascular phenotype. Identifiers: MedGen CN230736.

Allele frequency attached by ClinVar (database versions not stated): gnomAD 0.00001; TOPMed 0.00001; gnomAD exomes 0.00002 and 0.00003; ExAC 0.00003.
gnomAD v4.1: 51 of 1,614,034 alleles (0.0032%); highest among the groups gnomAD compares: Non-Finnish European, 0.0042%; no homozygotes.

Submissions (7):

Labcorp Genetics (formerly Invitae), Labcorp
Classification: Uncertain significance for Primary familial hypertrophic cardiomyopathy; Dilated cardiomyopathy 1AA. Last evaluated: 2024-11-28. Review status: criteria provided, single submitter. Criteria: Invitae Variant Classification Sherloc (09022015). Collection method: clinical testing. Allele origin: germline.
Comment: This sequence change replaces aspartic acid, which is acidic and polar, with histidine, which is basic and polar, at codon 857 of the ACTN2 protein (p.Asp857His). This variant is present in population databases (rs533267299, gnomAD 0.005%). This missense change has been observed in individual(s) with ACTN2-related conditions (PMID: 26573135, 30847666). ClinVar contains an entry for this variant (Variation ID: 216493). An algorithm developed to predict the effect of missense changes on protein structure and function (PolyPhen-2) suggests that this variant¬¨‚Ä†is likely to be tolerated. In summary, the available evidence is currently insufficient to determine the role of this variant in disease. Therefore, it has been classified as a Variant of Uncertain Significance.

Blueprint Genetics
Classification: Uncertain significance. Last evaluated: 2024-07-26. Review status: criteria provided, single submitter. Criteria: ACMG Guidelines, 2015. Collection method: clinical testing. Allele origin: germline.

Ambry Genetics
Classification: Uncertain significance for Cardiovascular phenotype. Last evaluated: 2021-11-04. Review status: criteria provided, single submitter. Criteria: Ambry Variant Classification Scheme 2023. Collection method: clinical testing. Allele origin: germline.
Comment: The p.D857H variant (also known as c.2569G>C), located in coding exon 21 of the ACTN2 gene, results from a G to C substitution at nucleotide position 2569. The aspartic acid at codon 857 is replaced by histidine, an amino acid with similar properties. This variant was described in an individual with sporadic hypertrophic cardiomyopathy (HCM), who harbored an additional cardiac variant (Xu J et al. Sci Rep, 2015 Nov;5:16609). This variant was also detected in a cardiomyopathy genetic testing cohort; however, clinical details were limited (van Lint FHM et al. Neth Heart J, 2019 Jun;27:304-309). This amino acid position is not well conserved in available vertebrate species. In addition, this alteration is predicted to be tolerated by in silico analysis. Since supporting evidence is limited at this time, the clinical significance of this alteration remains unclear.

Clinical Genetics DNA and cytogenetics Diagnostics Lab, Erasmus MC, Erasmus Medical Center
Classification: Uncertain significance. Review status: no assertion criteria provided. Collection method: clinical testing. Allele origin: germline. Affected: yes. Study: VKGL Data-share Consensus. Not counted in ClinVar's aggregate classification.

Clinical Genetics, Academic Medical Center
Classification: Uncertain significance. Review status: no assertion criteria provided. Collection method: clinical testing. Allele origin: germline. Affected: yes. Study: VKGL Data-share Consensus. Not counted in ClinVar's aggregate classification.

Diagnostic Laboratory, Department of Genetics, University Medical Center Groningen
Classification: Uncertain significance for Dilated cardiomyopathy 1AA. Review status: no assertion criteria provided. Collection method: clinical testing. Allele origin: germline. Affected: yes. Study: VKGL Data-share Consensus. Not counted in ClinVar's aggregate classification.

Genome Diagnostics Laboratory, University Medical Center Utrecht
Classification: Uncertain significance. Review status: no assertion criteria provided. Collection method: clinical testing. Allele origin: germline. Affected: yes. Study: VKGL Data-share Consensus. Not counted in ClinVar's aggregate classification.

Literature cited by the submitters: PubMed 26573135 (cited by Labcorp Genetics (formerly Invitae), Labcorp and Ambry Genetics); PubMed 30847666 (cited by Labcorp Genetics (formerly Invitae), Labcorp and Ambry Genetics).